The following is an entry in ClinVar:

ClinVar aggregate classification (germline): Uncertain significance. Review status: criteria provided, multiple submitters, no conflicts (2 of 4 stars). 4 submissions from 4 submitters: Uncertain significance (3). 1 of the submissions does not count toward it. Last evaluated 2025-08-20.

Conditions:
Usher syndrome type 1B (USH1B). Also called: Usher syndrome type IB. Identifiers: MedGen C1848638, MONDO:0700087.
Inborn genetic diseases. Identifiers: MedGen C0950123, MeSH D030342.

Allele frequency attached by ClinVar (database versions not stated): gnomAD 0.00001 and 0.00003; gnomAD exomes 0.00001; TOPMed 0.00001; ExAC 0.00008; 1000 Genomes Project 30x 0.00016; 1000 Genomes Project 0.00020.
gnomAD v4.1: 13 of 1,558,270 alleles (0.00083%); highest among the groups gnomAD compares: Middle Eastern, 0.017%; no homozygotes.

Submissions (4):

Labcorp Genetics (formerly Invitae), Labcorp
Classification: Uncertain significance. Last evaluated: 2025-08-20. Review status: criteria provided, single submitter. Criteria: Invitae Variant Classification Sherloc (09022015). Collection method: clinical testing. Allele origin: germline.
Comment: This sequence change replaces arginine, which is basic and polar, with cysteine, which is neutral and slightly polar, at codon 1708 of the MYO7A protein (p.Arg1708Cys). The frequency data for this variant in the population databases is considered unreliable, as metrics indicate poor data quality at this position in the gnomAD database. This variant has not been reported in the literature in individuals affected with MYO7A-related conditions. ClinVar contains an entry for this variant (Variation ID: 836928). Invitae Evidence Modeling of protein sequence and biophysical properties (such as structural, functional, and spatial information, amino acid conservation, physicochemical variation, residue mobility, and thermodynamic stability) has been performed for this missense variant. However, the output from this modeling did not meet the statistical confidence thresholds required to predict the impact of this variant on MYO7A protein function. In summary, the available evidence is currently insufficient to determine the role of this variant in disease. Therefore, it has been classified as a Variant of Uncertain Significance.

Blueprint Genetics
Classification: Uncertain significance. Last evaluated: 2024-09-12. Review status: criteria provided, single submitter. Criteria: ACMG Guidelines, 2015. Collection method: clinical testing. Allele origin: germline.

Ambry Genetics
Classification: Uncertain significance for Inborn genetic diseases. Last evaluated: 2023-03-06. Review status: criteria provided, single submitter. Criteria: Ambry Variant Classification Scheme 2023. Collection method: clinical testing. Allele origin: germline.

Natera, Inc.
Classification: Uncertain significance for Usher syndrome type 1B. Last evaluated: 2020-09-16. Review status: no assertion criteria provided. Collection method: clinical testing. Allele origin: germline. Not counted in ClinVar's aggregate classification.

NM_000260.4(MYO7A):c.5122C>T (p.Arg1708Cys)

Gene: MYO7A (myosin VIIA; plus strand). Cytogenetic location: 11q13.5.
Variant type: single nucleotide variant.
Coding change: c.5122C>T on transcript NM_000260.4 (MANE Select); coding-DNA position 5122, C replaced by T.
Protein change: p.Arg1708Cys; replaces arginine 1708 with cysteine.
Molecular consequence: missense variant.
Genome position (GRCh38, 1-based): chr11:77,202,378, C>T. VCF-style: chr11-77202378-C-T. GRCh37 (hg19) VCF-style: chr11-76913423-C-T.
Other names: c.5008C>T, p.Arg1670Cys (NM_001127180.2); c.4975C>T, p.Arg1659Cys (NM_001369365.1); short protein forms R1659C, R1670C, R1708C.
Identifiers: ClinVar variation 836928 (VCV000836928.10), dbSNP rs529974676, ClinGen allele CA6198628.